The following is an entry in ClinVar:

NM_001023.4(RPS20):c.275A>G (p.His92Arg)

Gene: RPS20 (ribosomal protein S20; minus strand). Cytogenetic location: 8q12.1.
Variant type: single nucleotide variant.
Coding change: c.275A>G on transcript NM_001023.4 (MANE Select); coding-DNA position 275, A replaced by G.
Protein change: p.His92Arg; replaces histidine 92 with arginine.
Molecular consequence: missense variant.
Genome position (GRCh38, 1-based): chr8:56,073,175, T>C on the plus strand (A>G on the coding strand, the complement: RPS20 is on the minus strand). VCF-style: chr8-56073175-T-C. GRCh37 (hg19) VCF-style: chr8-56985734-T-C.
Other names: c.275A>G, p.His92Arg (NM_001146227.3); short protein forms H92R.
Identifiers: ClinVar variation 1417562 (VCV001417562.9), dbSNP rs2129213099, ClinGen allele CA371282822.
Genomic context (GRCh38, chr8:56,073,175, plus strand): 5'-ACCTCAACTCCTGGCTCAATACTGATGGAAGTAATCTGCTTAACAATCTCAGAAGGACTG[T>C]GCAAGTCAATGAGTCGCTTGTGAATTCTCATCTGGAAACGATCCCACGTCTTAGAACCTT-3'
Protein context (NP_001014.1, residues 82-102): MRIHKRLIDL[His92Arg]SPSEIVKQIT

ClinVar aggregate classification (germline): Uncertain significance. Review status: criteria provided, multiple submitters, no conflicts (2 of 4 stars). 2 submissions from 2 submitters: Uncertain significance (2). Last evaluated 2024-09-01.

Allele frequency attached by ClinVar (database versions not stated): gnomAD exomes below 0.00001.
gnomAD v4.1: 2 of 1,600,030 alleles (0.00012%); highest among the groups gnomAD compares: Non-Finnish European, 0.00017%; no homozygotes.

Submissions (2):

Ambry Genetics
Classification: Uncertain significance. Last evaluated: 2024-09-01. Review status: criteria provided, single submitter. Criteria: Ambry Variant Classification Scheme 2023. Collection method: clinical testing. Allele origin: germline.
Comment: The p.H92R variant (also known as c.275A>G), located in coding exon 4 of the RPS20 gene, results from an A to G substitution at nucleotide position 275. The histidine at codon 92 is replaced by arginine, an amino acid with highly similar properties. This amino acid position is conserved. In addition, this alteration is predicted to be deleterious by in silico analysis. Since supporting evidence is limited at this time, the clinical significance of this alteration remains unclear.

Labcorp Genetics (formerly Invitae), Labcorp
Classification: Uncertain significance. Last evaluated: 2021-08-20. Review status: criteria provided, single submitter. Criteria: Invitae Variant Classification Sherloc (09022015). Collection method: clinical testing. Allele origin: germline.
Comment: This variant has not been reported in the literature in individuals affected with RPS20-related conditions. In summary, the available evidence is currently insufficient to determine the role of this variant in disease. Therefore, it has been classified as a Variant of Uncertain Significance. Algorithms developed to predict the effect of missense changes on protein structure and function are either unavailable or do not agree on the potential impact of this missense change (SIFT: "Deleterious"; PolyPhen-2: "Benign"; Align-GVGD: "Class C0"). This variant is not present in population databases (ExAC no frequency). This sequence change replaces histidine with arginine at codon 92 of the RPS20 protein (p.His92Arg). The histidine residue is highly conserved and there is a small physicochemical difference between histidine and arginine.